The following is an entry in ClinVar:

NM_183357.3(ADCY5):c.3625A>G (p.Met1209Val)

Gene: ADCY5 (adenylate cyclase 5; minus strand). Cytogenetic location: 3q21.1.
Variant type: single nucleotide variant.
Coding change: c.3625A>G on transcript NM_183357.3 (MANE Select); coding-DNA position 3625, A replaced by G.
Protein change: p.Met1209Val; replaces methionine 1209 with valine.
Molecular consequence: missense variant.
Genome position (GRCh38, 1-based): chr3:123,286,717, T>C on the plus strand (A>G on the coding strand, the complement: ADCY5 is on the minus strand). VCF-style: chr3-123286717-T-C. GRCh37 (hg19) VCF-style: chr3-123005564-T-C.
Other names: c.3625A>G (NM_183357.2); c.2575A>G, p.Met859Val (NM_001199642.1); c.3700A>G, p.Met1234Val (NM_001378259.1); short protein forms M1209V, M1234V, M859V.
Identifiers: ClinVar variation 2734555 (VCV002734555.4), dbSNP rs2472605168, ClinGen allele CA354222268.
Genomic context (GRCh38, chr3:123,286,717, plus strand): 5'-GAGGGGTGGTGGATGCTCCTGCACTCACCTGGATGCGGTCGGGTACACCGGTGCTGTCCA[T>C]GCGGCTGGCCACGTTCACGGTATTGCCCCAGATGTCGTACTGAGGCTTTCGTGCCCCTAT-3'
Protein context (NP_899200.1, residues 1199-1219): WGNTVNVASR[Met1209Val]DSTGVPDRIQ

ClinVar aggregate classification (germline): Uncertain significance. Review status: criteria provided, multiple submitters, no conflicts (2 of 4 stars). 2 submissions from 2 submitters: Uncertain significance (2). Last evaluated 2024-07-18.

Allele frequency attached by ClinVar (database versions not stated): gnomAD exomes below 0.00001.

Submissions (2):

GeneDx
Classification: Uncertain significance. Last evaluated: 2024-07-18. Review status: criteria provided, single submitter. Criteria: GeneDx Variant Classification Process June 2021. Collection method: clinical testing. Allele origin: germline. Affected: yes.
Comment: Not observed at significant frequency in large population cohorts (gnomAD); In silico analysis supports that this missense variant has a deleterious effect on protein structure/function; This variant is associated with the following publications: (PMID: 33934385, 27666935)

Labcorp Genetics (formerly Invitae), Labcorp
Classification: Uncertain significance. Last evaluated: 2023-10-11. Review status: criteria provided, single submitter. Criteria: Invitae Variant Classification Sherloc (09022015). Collection method: clinical testing. Allele origin: germline.
Comment: This sequence change replaces methionine, which is neutral and non-polar, with valine, which is neutral and non-polar, at codon 1209 of the ADCY5 protein (p.Met1209Val). This variant is not present in population databases (gnomAD no frequency). This missense change has been observed in individual(s) with ADCY5-related conditions (PMID: 27666935). Advanced modeling of protein sequence and biophysical properties (such as structural, functional, and spatial information, amino acid conservation, physicochemical variation, residue mobility, and thermodynamic stability) has been performed at Invitae for this missense variant, however the output from this modeling did not meet the statistical confidence thresholds required to predict the impact of this variant on ADCY5 protein function. In summary, the available evidence is currently insufficient to determine the role of this variant in disease. Therefore, it has been classified as a Variant of Uncertain Significance.

Literature cited by the submitters: PubMed 27666935 (cited by Labcorp Genetics (formerly Invitae), Labcorp).